The following is an entry in ClinVar:

NM_017837.4(PIGV):c.1448T>G (p.Leu483Arg)

Gene: PIGV (phosphatidylinositol glycan anchor biosynthesis class V; plus strand). Cytogenetic location: 1p36.11.
Variant type: single nucleotide variant.
Coding change: c.1448T>G on transcript NM_017837.4 (MANE Select); coding-DNA position 1448, T replaced by G.
Protein change: p.Leu483Arg; replaces leucine 483 with arginine.
Molecular consequence: missense variant. On other transcripts: non-coding transcript variant (2).
Genome position (GRCh38, 1-based): chr1:26,797,810, T>G. VCF-style: chr1-26797810-T-G. GRCh37 (hg19) VCF-style: chr1-27124301-T-G.
Other names: c.1448T>G, p.Leu483Arg (NM_001202554.2, NM_001374478.1, NM_001374480.1 and 2 more transcripts); c.1067T>G, p.Leu356Arg (NM_001374483.1); c.821T>G, p.Leu274Arg (NM_001374484.1, NM_001374485.1); c.326T>G, p.Leu109Arg (NM_001374486.1); short protein forms L109R, L356R, L483R, L274R.
Identifiers: ClinVar variation 1502647 (VCV001502647.8), dbSNP rs149327962, ClinGen allele CA708232.

ClinVar aggregate classification (germline): Uncertain significance (1 of 4 stars; one submission).

Allele frequency attached by ClinVar (database versions not stated): gnomAD 0.00001; gnomAD exomes 0.00001; TOPMed 0.00001; ExAC 0.00002; ESP Exome Variant Server 0.00008.
gnomAD v4.1: 11 of 1,613,996 alleles (0.00068%); highest among the groups gnomAD compares: Admixed American, 0.0017%; no homozygotes.

Submission:

Labcorp Genetics (formerly Invitae), Labcorp
Classification: Uncertain significance. Last evaluated: 2021-02-10. Review status: criteria provided, single submitter. Criteria: Invitae Variant Classification Sherloc (09022015). Collection method: clinical testing. Allele origin: germline.
Comment: This sequence change replaces leucine with arginine at codon 483 of the PIGV protein (p.Leu483Arg). The leucine residue is moderately conserved and there is a moderate physicochemical difference between leucine and arginine. In summary, the available evidence is currently insufficient to determine the role of this variant in disease. Therefore, it has been classified as a Variant of Uncertain Significance. Algorithms developed to predict the effect of missense changes on protein structure and function are either unavailable or do not agree on the potential impact of this missense change (SIFT: "Tolerated"; PolyPhen-2: "Probably Damaging"; Align-GVGD: "Class C0"). This variant has not been reported in the literature in individuals with PIGV-related conditions. This variant is present in population databases (rs149327962, ExAC 0.009%).